The following is an entry in ClinVar:

ClinVar aggregate classification (germline): Conflicting classifications of pathogenicity. Review status: criteria provided, conflicting classifications (1 of 4 stars). 2 submissions from 2 submitters: Uncertain significance (1); Likely benign (1). Last evaluated 2025-02-20.

Conditions:
Inborn genetic diseases. Identifiers: MedGen C0950123, MeSH D030342.
Thrombocytopenia 2 (THC2). Also called: ANKRD26-Related Thrombocytopenia. Identifiers: Orphanet 268322, MedGen C1861185, MONDO:0008555, OMIM 188000.

Allele frequency attached by ClinVar (database versions not stated): TOPMed below 0.00001; gnomAD 0.00001; gnomAD exomes 0.00002; ExAC 0.00003.
gnomAD v4.1: 24 of 1,612,718 alleles (0.0015%); highest among the groups gnomAD compares: East Asian, 0.051%; no homozygotes.

Submissions (2):

Ambry Genetics
Classification: Uncertain significance for Inborn genetic diseases. Last evaluated: 2025-02-20. Review status: criteria provided, single submitter. Criteria: Ambry Variant Classification Scheme 2023. Collection method: clinical testing. Allele origin: germline.
Comment: The p.N1123D variant (also known as c.3367A>G), located in coding exon 24 of the ANKRD26 gene, results from an A to G substitution at nucleotide position 3367. The asparagine at codon 1123 is replaced by aspartic acid, an amino acid with highly similar properties. This amino acid position is conserved. In addition, this alteration is predicted to be tolerated by in silico analysis. Based on the available evidence, the clinical significance of this variant remains unclear.

Illumina Laboratory Services, Illumina
Classification: Likely benign for Thrombocytopenia 2. Last evaluated: 2018-01-13. Review status: criteria provided, single submitter. Criteria: ICSL Variant Classification Criteria 13 December 2019. Collection method: clinical testing. Allele origin: germline.
Comment: This variant was observed in the ICSL laboratory as part of a predisposition screen in an ostensibly healthy population. It had not been previously curated by ICSL or reported in the Human Gene Mutation Database (HGMD: prior to June 1st, 2018), and was therefore a candidate for classification through an automated scoring system. Utilizing variant allele frequency, disease prevalence and penetrance estimates, and inheritance mode, an automated score was calculated to assess if this variant is too frequent to cause the disease. Based on the score and internal cut-off values, a variant classified as likely benign is not then subjected to further curation. The score for this variant resulted in a classification of likely benign for this disease.

NM_014915.3(ANKRD26):c.3367A>G (p.Asn1123Asp)

Gene: ANKRD26 (ankyrin repeat domain 26; minus strand). Cytogenetic location: 10p12.1.
Variant type: single nucleotide variant.
Coding change: c.3367A>G on transcript NM_014915.3 (MANE Select); coding-DNA position 3367, A replaced by G.
Protein change: p.Asn1123Asp; replaces asparagine 1123 with aspartic acid.
Molecular consequence: missense variant.
Genome position (GRCh38, 1-based): chr10:27,035,083, T>C on the plus strand (A>G on the coding strand, the complement: ANKRD26 is on the minus strand). VCF-style: chr10-27035083-T-C. GRCh37 (hg19) VCF-style: chr10-27324012-T-C.
Other names: c.3364A>G, p.Asn1122Asp (NM_001256053.2); short protein forms N1123D, N1122D.
Identifiers: ClinVar variation 299735 (VCV000299735.7), dbSNP rs746125031, ClinGen allele CA5448050.